The following is an entry in ClinVar:

NM_020987.5(ANK3):c.968G>T (p.Arg323Leu)

Gene: ANK3 (ankyrin 3; minus strand). Cytogenetic location: 10q21.2.
Variant type: single nucleotide variant.
Coding change: c.968G>T on transcript NM_020987.5 (MANE Select); coding-DNA position 968, G replaced by T.
Protein change: p.Arg323Leu; replaces arginine 323 with leucine.
Molecular consequence: missense variant.
Genome position (GRCh38, 1-based): chr10:60,213,440, C>A on the plus strand (G>T on the coding strand, the complement: ANK3 is on the minus strand). VCF-style: chr10-60213440-C-A. GRCh37 (hg19) VCF-style: chr10-61973198-C-A.
Other names: c.968G>T (NM_020987.3); c.950G>T, p.Arg317Leu (NM_001204403.2); c.917G>T, p.Arg306Leu (NM_001204404.2); c.968G>T, p.Arg323Leu (NM_001320874.2); short protein forms R306L, R323L, R317L.
Identifiers: ClinVar variation 3666719 (VCV003666719.4).

ClinVar aggregate classification (germline): Uncertain significance. Review status: criteria provided, multiple submitters, no conflicts (2 of 4 stars). 2 submissions from 2 submitters: Uncertain significance (2). Last evaluated 2026-01-16.

gnomAD v4.1: 1 of 1,612,516 alleles (0.000062%); highest among the groups gnomAD compares: Non-Finnish European, 0.000085%; no homozygotes.

Submissions (2):

GeneDx
Classification: Uncertain significance. Last evaluated: 2026-01-16. Review status: criteria provided, single submitter. Criteria: GeneDx Variant Classification Process June 2021. Collection method: clinical testing. Allele origin: germline.
Comment: Not observed at significant frequency in large population cohorts (gnomAD); In silico analysis supports that this missense variant has a deleterious effect on protein structure/function; Has not been previously published as pathogenic or benign to our knowledge

Labcorp Genetics (formerly Invitae), Labcorp
Classification: Uncertain significance. Last evaluated: 2025-01-08. Review status: criteria provided, single submitter. Criteria: Invitae Variant Classification Sherloc (09022015). Collection method: clinical testing. Allele origin: germline.
Comment: This sequence change replaces arginine, which is basic and polar, with leucine, which is neutral and non-polar, at codon 323 of the ANK3 protein (p.Arg323Leu). This variant is not present in population databases (gnomAD no frequency). This variant has not been reported in the literature in individuals affected with ANK3-related conditions. Invitae Evidence Modeling of protein sequence and biophysical properties (such as structural, functional, and spatial information, amino acid conservation, physicochemical variation, residue mobility, and thermodynamic stability) indicates that this missense variant is not expected to disrupt ANK3 protein function with a negative predictive value of 80%. In summary, the available evidence is currently insufficient to determine the role of this variant in disease. Therefore, it has been classified as a Variant of Uncertain Significance.